The following is an entry in ClinVar:

NM_052874.5(STX1B):c.281-2A>C

Gene: STX1B (syntaxin 1B; minus strand). Cytogenetic location: 16p11.2.
Variant type: single nucleotide variant.
Coding change: c.281-2A>C on transcript NM_052874.5 (MANE Select); the canonical splice acceptor site of the intron before coding-DNA position 281, A replaced by C.
Molecular consequence: splice acceptor variant.
Genome position (GRCh38, 1-based): chr16:30,997,577, T>G on the plus strand (A>C on the coding strand, the complement: STX1B is on the minus strand). VCF-style: chr16-30997577-T-G. GRCh37 (hg19) VCF-style: chr16-31008898-T-G.
Identifiers: ClinVar variation 1068186 (VCV001068186.7), dbSNP rs2143671063, ClinGen allele CA395649888.
Genomic context (GRCh38, chr16:30,997,577, plus strand): 5'-GCGCAGGTCCGCGGAGGAACGGTTCAGCCCCTCCTCCTGTTCAATGCTTTGCTCGATCGC[T>G]GCGGGAGAGAGGGCGCAGCGATGGGCGGGAGACCCGGGGCACATGGGGCGAGGGTCCGGG-3'

ClinVar aggregate classification (germline): Likely pathogenic (1 of 4 stars; one submission).

Conditions:
Generalized epilepsy with febrile seizures plus, type 9 (GEFSP9). Also called: GEFS+, TYPE 9. Identifiers: Orphanet 36387, MedGen C4015395, MONDO:0014517, OMIM 616172.

Submission:

Labcorp Genetics (formerly Invitae), Labcorp
Classification: Likely pathogenic for Generalized epilepsy with febrile seizures plus, type 9. Last evaluated: 2020-03-30. Review status: criteria provided, single submitter. Criteria: Invitae Variant Classification Sherloc (09022015). Collection method: clinical testing. Allele origin: germline.
Comment: In summary, the currently available evidence indicates that the variant is pathogenic, but additional data are needed to prove that conclusively. Therefore, this variant has been classified as Likely Pathogenic. Donor and acceptor splice site variants typically lead to a loss of protein function (PMID: 16199547), and loss-of-function variants in STX1B are known to be pathogenic (PMID: 25362483). Algorithms developed to predict the effect of sequence changes on RNA splicing suggest that this variant may disrupt the consensus splice site, but this prediction has not been confirmed by published transcriptional studies. This variant has not been reported in the literature in individuals with STX1B-related conditions. This variant is not present in population databases (ExAC no frequency). This sequence change affects an acceptor splice site in intron 4 of the STX1B gene. It is expected to disrupt RNA splicing and likely results in an absent or disrupted protein product.

Literature cited by the submitters: PubMed 16199547; PubMed 25362483.